The following is an entry in ClinVar:

ClinVar aggregate classification (germline): Pathogenic (1 of 4 stars; one submission).

Conditions:
Carnitine palmitoyl transferase 1A deficiency. Also called: Carnitine palmitoyltransferase 1A deficiency; CPT I DEFICIENCY; CPT DEFICIENCY, HEPATIC, TYPE I; Carnitine palmitoyltransferase type I deficiency; CPT deficiency, hepatic, type IA. Identifiers: Orphanet 156, MedGen C1829703, MONDO:0009705, OMIM 255120.

Submission:

Labcorp Genetics (formerly Invitae), Labcorp
Classification: Pathogenic for Carnitine palmitoyl transferase 1A deficiency. Last evaluated: 2023-03-31. Review status: criteria provided, single submitter. Criteria: Invitae Variant Classification Sherloc (09022015). Collection method: clinical testing. Allele origin: germline.
Comment: This sequence change creates a premature translational stop signal (p.Asn404Ilefs*15) in the CPT1A gene. It is expected to result in an absent or disrupted protein product. Loss-of-function variants in CPT1A are known to be pathogenic (PMID: 16169268). This variant is not present in population databases (gnomAD no frequency). This variant has not been reported in the literature in individuals affected with CPT1A-related conditions. For these reasons, this variant has been classified as Pathogenic.

Literature cited by the submitters: PubMed 16169268.

NM_001876.4(CPT1A):c.1203del (p.Asn404fs)

Genes: CPT1A (carnitine palmitoyltransferase 1A; minus strand), LOC126861244 (BRD4-independent group 4 enhancer GRCh37_chr11:68549035-68550234; plus strand). Cytogenetic location: 11q13.3.
Variant type: Deletion.
Coding change: c.1203del on transcript NM_001876.4 (MANE Select); coding-DNA position 1203, one base deleted (T; older notation c.1203delT).
Protein change: p.Asn404fs; shifts the reading frame from asparagine 404.
Molecular consequence: frameshift variant.
Genome position (GRCh38, 1-based): chr11:68,781,920, A deleted on the plus strand (T on the coding strand, the reverse complement: CPT1A is on the minus strand). VCF-style (leftmost placement, unchanged base first): chr11-68781919-CA-C. GRCh37 (hg19) VCF-style: chr11-68549387-CA-C.
Other names: c.1203del, p.Asn404fs (NM_001031847.3); short protein forms N404fs.
Identifiers: ClinVar variation 2851329 (VCV002851329.3), dbSNP rs2495577924, ClinGen allele CA2739270623.